The following is an entry in ClinVar:

ClinVar aggregate classification (germline): Uncertain significance. Review status: criteria provided, multiple submitters, no conflicts (2 of 4 stars). 8 submissions from 4 submitters: Uncertain significance (8). Last evaluated 2025-02-28.

Conditions:
Autosomal recessive limb-girdle muscular dystrophy type 2J (LGMDR10). Also called: Limb-girdle muscular dystrophy, type 2J; MUSCULAR DYSTROPHY, LIMB-GIRDLE, AUTOSOMAL RECESSIVE 10. Identifiers: Orphanet 140922, MedGen C1837342, MONDO:0012127, OMIM 608807.
Hypertrophic cardiomyopathy 9. Also called: Familial hypertrophic cardiomyopathy 9. Identifiers: MedGen C1861065, MONDO:0013412, OMIM 613765.
Tibial muscular dystrophy (TMD). Also called: Tibial muscular dystrophy, tardive; UDD MYOPATHY; Udd Distal Myopathy – Tibial Muscular Dystrophy. Identifiers: Orphanet 609, MedGen C1838244, MONDO:0010870, OMIM 600334.
Early-onset myopathy with fatal cardiomyopathy (CMYO5). Also called: CONGENITAL MYOPATHY 5 WITH CARDIOMYOPATHY; Salih Myopathy. Identifiers: Orphanet 289377, MedGen C2673677, MONDO:0012714, OMIM 611705. Disease mechanism: loss of function.
Myopathy, myofibrillar, 9, with early respiratory failure (MFM9). Also called: EDSTROM MYOPATHY; MYOPATHY, PROXIMAL, WITH EARLY RESPIRATORY MUSCLE INVOLVEMENT; Myopathy, distal, with early respiratory failure, autosomal dominant; Hereditary myopathy with early respiratory failure. Identifiers: Orphanet 178464, Orphanet 34521, MedGen C1863599, MONDO:0011362, OMIM 603689.
Dilated cardiomyopathy 1G (CMD1G). Identifiers: Orphanet 154, MedGen C1858763, MONDO:0011400, OMIM 604145.

gnomAD v4.1: 33 of 1,608,770 alleles (0.0021%); highest among the groups gnomAD compares: African/African-American, 0.0027%; no homozygotes.

Submissions (8):

Women's Health and Genetics/Laboratory Corporation of America, LabCorp
Classification: Uncertain significance. Last evaluated: 2025-02-28. Review status: criteria provided, single submitter. Criteria: LabCorp Variant Classification Summary - May 2015. Collection method: clinical testing. Allele origin: germline.
Comment: Variant summary: TTN c.25421T>G (p.Ile8474Ser) results in a non-conservative amino acid change in the encoded protein sequence. Two of three in-silico tools predict a benign effect of the variant on protein function. The variant allele was found at a frequency of 1.2e-05 in 247432 control chromosomes. The available data on variant occurrences in the general population are insufficient to allow any conclusion about variant significance. To our knowledge, no occurrence of c.25421T>G in individuals affected with Dilated Cardiomyopathy and no experimental evidence demonstrating its impact on protein function have been reported. ClinVar contains an entry for this variant (Variation ID: 892925). Based on the evidence outlined above, the variant was classified as uncertain significance.

Fulgent Genetics
Classification: Uncertain significance for Tibial muscular dystrophy; Myopathy, myofibrillar, 9, with early respiratory failure; Dilated cardiomyopathy 1G; Autosomal recessive limb-girdle muscular dystrophy type 2J; Early-onset myopathy with fatal cardiomyopathy; Hypertrophic cardiomyopathy 9. Last evaluated: 2021-12-21. Review status: criteria provided, single submitter. Criteria: ACMG Guidelines, 2015. Collection method: clinical testing. Allele origin: unknown.

GeneDx
Classification: Uncertain significance. Last evaluated: 2019-09-05. Review status: criteria provided, single submitter. Criteria: GeneDx Variant Classification Process June 2021. Collection method: clinical testing. Allele origin: germline. Affected: yes.
Comment: Not observed at a significant frequency in large population cohorts (Lek et al., 2016); Missense variant in a gene in which most reported pathogenic variants are truncating/loss-of-function; Has not been previously published as pathogenic or benign to our knowledge

Illumina Laboratory Services, Illumina
Classification: Uncertain significance for Autosomal recessive limb-girdle muscular dystrophy type 2J. Last evaluated: 2018-01-12. Review status: criteria provided, single submitter. Criteria: ICSL Variant Classification Criteria 13 December 2019. Collection method: clinical testing. Allele origin: germline.

Illumina Laboratory Services, Illumina
Classification: Uncertain significance for Early-onset myopathy with fatal cardiomyopathy. Last evaluated: 2018-01-12. Review status: criteria provided, single submitter. Criteria: ICSL Variant Classification Criteria 13 December 2019. Collection method: clinical testing. Allele origin: germline.

Illumina Laboratory Services, Illumina
Classification: Uncertain significance for Tibial muscular dystrophy. Last evaluated: 2018-01-12. Review status: criteria provided, single submitter. Criteria: ICSL Variant Classification Criteria 13 December 2019. Collection method: clinical testing. Allele origin: germline.

Illumina Laboratory Services, Illumina
Classification: Uncertain significance for Dilated cardiomyopathy 1G. Last evaluated: 2018-01-12. Review status: criteria provided, single submitter. Criteria: ICSL Variant Classification Criteria 13 December 2019. Collection method: clinical testing. Allele origin: germline.

Illumina Laboratory Services, Illumina
Classification: Uncertain significance for Myopathy, myofibrillar, 9, with early respiratory failure. Last evaluated: 2018-01-12. Review status: criteria provided, single submitter. Criteria: ICSL Variant Classification Criteria 13 December 2019. Collection method: clinical testing. Allele origin: germline.

NM_001267550.2(TTN):c.29153T>G (p.Ile9718Ser)

Gene: TTN (titin; minus strand). Cytogenetic location: 2q31.2.
Variant type: single nucleotide variant.
Coding change: c.29153T>G on transcript NM_001267550.2 (MANE Select); coding-DNA position 29153, T replaced by G.
Protein change: p.Ile9718Ser; replaces isoleucine 9718 with serine.
Molecular consequence: missense variant. On other transcripts: intron variant (3).
Genome position (GRCh38, 1-based): chr2:178,706,721, A>C on the plus strand (T>G on the coding strand, the complement: TTN is on the minus strand). VCF-style: chr2-178706721-A-C. GRCh37 (hg19) VCF-style: chr2-179571448-A-C.
Other names: c.28202T>G, p.Ile9401Ser (NM_001256850.1); c.25421T>G, p.Ile8474Ser (NM_133378.4); c.13282+31361T>G (NM_003319.4); c.13858+31361T>G (NM_133437.4); c.13657+31361T>G (NM_133432.3); short protein forms I8474S, I9401S, I9718S.
Identifiers: ClinVar variation 892925 (VCV000892925.9), dbSNP rs4893852, ClinGen allele CA1999431.